The following is an entry in ClinVar:

ClinVar aggregate classification (germline): Uncertain significance (1 of 4 stars; one submission).

Conditions:
Hermansky-Pudlak syndrome 2 (HPS2). Also called: Platelet defects and oculocutaneous albinism. Identifiers: Orphanet 183678, Orphanet 79430, MedGen C1842362, MONDO:0011997, OMIM 608233.

Submission:

Labcorp Genetics (formerly Invitae), Labcorp
Classification: Uncertain significance for Hermansky-Pudlak syndrome 2. Last evaluated: 2022-07-25. Review status: criteria provided, single submitter. Criteria: Invitae Variant Classification Sherloc (09022015). Collection method: clinical testing. Allele origin: germline.
Comment: In summary, the available evidence is currently insufficient to determine the role of this variant in disease. Therefore, it has been classified as a Variant of Uncertain Significance. Algorithms developed to predict the effect of missense changes on protein structure and function output the following: SIFT: "Tolerated"; PolyPhen-2: "Benign"; Align-GVGD: "Class C0". The proline amino acid residue is found in multiple mammalian species, which suggests that this missense change does not adversely affect protein function. ClinVar contains an entry for this variant (Variation ID: 1521916). This variant has not been reported in the literature in individuals affected with AP3B1-related conditions. This variant is not present in population databases (gnomAD no frequency). This sequence change replaces serine, which is neutral and polar, with proline, which is neutral and non-polar, at codon 12 of the AP3B1 protein (p.Ser12Pro).

NM_003664.5(AP3B1):c.34T>C (p.Ser12Pro)

Gene: AP3B1 (adaptor related protein complex 3 subunit beta 1; minus strand). Cytogenetic location: 5q14.1.
Variant type: single nucleotide variant.
Coding change: c.34T>C on transcript NM_003664.5 (MANE Select); coding-DNA position 34, T replaced by C.
Protein change: p.Ser12Pro; replaces serine 12 with proline.
Molecular consequence: missense variant. On other transcripts: 5 prime UTR variant (1).
Genome position (GRCh38, 1-based): chr5:78,294,546, A>G on the plus strand (T>C on the coding strand, the complement: AP3B1 is on the minus strand). VCF-style: chr5-78294546-A-G. GRCh37 (hg19) VCF-style: chr5-77590370-A-G.
Other names: c.-126T>C (NM_001271769.2); short protein forms S12P.
Identifiers: ClinVar variation 1521916 (VCV001521916.8), dbSNP rs2112607296, ClinGen allele CA360334696.